The following is an entry in ClinVar:

ClinVar aggregate classification (germline): Uncertain significance (1 of 4 stars; one submission).

Allele frequency attached by ClinVar (database versions not stated): ESP Exome Variant Server 0.00008.
gnomAD v4.1: 16 of 780,760 alleles (0.002%); highest among the groups gnomAD compares: African/African-American, 0.019%; no homozygotes.

Submission:

Labcorp Genetics (formerly Invitae), Labcorp
Classification: Uncertain significance. Last evaluated: 2023-07-12. Review status: criteria provided, single submitter. Criteria: Invitae Variant Classification Sherloc (09022015). Collection method: clinical testing. Allele origin: germline.
Comment: In summary, the available evidence is currently insufficient to determine the role of this variant in disease. Therefore, it has been classified as a Variant of Uncertain Significance. An algorithm developed to predict the effect of missense changes on protein structure and function (PolyPhen-2) suggests that this variant is likely to be disruptive. This variant has not been reported in the literature in individuals affected with ADCY1-related conditions. This variant is present in population databases (rs367774665, gnomAD 0.04%). This sequence change replaces arginine, which is basic and polar, with glycine, which is neutral and non-polar, at codon 1072 of the ADCY1 protein (p.Arg1072Gly).

NM_021116.4(ADCY1):c.3214C>G (p.Arg1072Gly)

Gene: ADCY1 (adenylate cyclase 1; plus strand). Cytogenetic location: 7p12.3.
Variant type: single nucleotide variant.
Coding change: c.3214C>G on transcript NM_021116.4 (MANE Select); coding-DNA position 3214, C replaced by G.
Protein change: p.Arg1072Gly; replaces arginine 1072 with glycine.
Molecular consequence: missense variant.
Genome position (GRCh38, 1-based): chr7:45,713,849, C>G. VCF-style: chr7-45713849-C-G. GRCh37 (hg19) VCF-style: chr7-45753448-C-G.
Other names: short protein forms R1072G.
Identifiers: ClinVar variation 2889987 (VCV002889987.3), dbSNP rs367774665, ClinGen allele CA4249449.
Genomic context (GRCh38, chr7:45,713,849, plus strand): 5'-TACTTTCTAGAAGGCAGGACTGATGGAAACGGCTCCCAAATCAGGTCCCTGGGCTTGGAT[C>G]GGAAAATGTGTCCATTTGGGAGAGCTGGCCTTCAGGGCAGACGTCCCCCCGTGTGCCCCA-3'
Protein context (NP_066939.1, residues 1062-1082): GSQIRSLGLD[Arg1072Gly]KMCPFGRAGL